The following is an entry in ClinVar:

NM_000138.5(FBN1):c.1663T>C (p.Cys555Arg)

Gene: FBN1 (fibrillin 1; minus strand). Cytogenetic location: 15q21.1.
Variant type: single nucleotide variant.
Coding change: c.1663T>C on transcript NM_000138.5 (MANE Select); coding-DNA position 1663, T replaced by C.
Protein change: p.Cys555Arg; replaces cysteine 555 with arginine.
Molecular consequence: missense variant.
Genome position (GRCh38, 1-based): chr15:48,510,095, A>G on the plus strand (T>C on the coding strand, the complement: FBN1 is on the minus strand). VCF-style: chr15-48510095-A-G. GRCh37 (hg19) VCF-style: chr15-48802292-A-G.
Other names: short protein forms C555R.
Identifiers: ClinVar variation 836596 (VCV000836596.9), dbSNP rs2043746138, ClinGen allele CA392341079.

ClinVar aggregate classification (germline): Pathogenic/Likely pathogenic. Review status: criteria provided, multiple submitters, no conflicts (2 of 4 stars). 2 submissions from 2 submitters: Pathogenic (1); Likely pathogenic (1). Last evaluated 2023-11-18.

Conditions:
Familial thoracic aortic aneurysm and aortic dissection (TAAD). Also called: Thoracic aortic aneurysms and dissections. Identifiers: Orphanet 91387, MedGen C4707243, MONDO:0019625.
Marfan syndrome (MFS). Also called: FBN1-Related Marfan Syndrome; Marfan's syndrome; MARFAN SYNDROME, TYPE I; Marfan syndrome type 1; Marfan syndrome, classic. Identifiers: Orphanet 284963, Orphanet 558, MedGen C0024796, MONDO:0007947, OMIM 154700.

Allele frequency attached by ClinVar (database versions not stated): gnomAD exomes below 0.00001.
gnomAD v4.1: 1 of 1,613,536 alleles (0.000062%); highest among the groups gnomAD compares: Admixed American, 0.0017%; no homozygotes.

Submissions (2):

Labcorp Genetics (formerly Invitae), Labcorp
Classification: Pathogenic for Marfan syndrome; Familial thoracic aortic aneurysm and aortic dissection. Last evaluated: 2023-11-18. Review status: criteria provided, single submitter. Criteria: Invitae Variant Classification Sherloc (09022015). Collection method: clinical testing. Allele origin: germline.
Comment: This sequence change replaces cysteine, which is neutral and slightly polar, with arginine, which is basic and polar, at codon 555 of the FBN1 protein (p.Cys555Arg). This variant is not present in population databases (gnomAD no frequency). This missense change has been observed in individuals with clinical features of Marfan syndrome (PMID: 17418587, 32679894; Invitae). ClinVar contains an entry for this variant (Variation ID: 836596). Advanced modeling of protein sequence and biophysical properties (such as structural, functional, and spatial information, amino acid conservation, physicochemical variation, residue mobility, and thermodynamic stability) performed at Invitae indicates that this missense variant is expected to disrupt FBN1 protein function with a positive predictive value of 95%. This variant affects a cysteine residue in the EGF-like, TGFBP or hybrid motif domains of FBN1. Cysteine residues are believed to be involved in intramolecular disulfide bridges and have been shown to be important for FBN1 protein structure (PMID: 16905551, 19349279). In addition, missense substitutions affecting cysteine residues within these domains are significantly overrepresented among patients with Marfan syndrome (PMID: 16571647, 17701892). For these reasons, this variant has been classified as Pathogenic.

Ambry Genetics
Classification: Likely pathogenic for Familial thoracic aortic aneurysm and aortic dissection. Last evaluated: 2017-03-08. Review status: criteria provided, single submitter. Criteria: Ambry Variant Classification Scheme 2023. Collection method: clinical testing. Allele origin: germline.
Comment: The p.C555R variant (also known as c.1663T>C), located in coding exon 13 of the FBN1 gene, results from a T to C substitution at nucleotide position 1663. The cysteine at codon 555 is replaced by arginine, an amino acid with highly dissimilar properties, and is located in the cbEGF-like #04 domain. The majority of FBN1 mutations identified to date have involved the substitution or generation of cysteine residues within cbEGF domains (Vollbrandt T et al. J Biol Chem. 2004;279(31):32924-32931). This alteration has been reported in a patient with aortic aneurysm and suspected Marfan syndrome (Waldm&uuml;ller S et al. Eur J Cardiothorac Surg, 2007 Jun;31:970-5). This amino acid position is highly conserved in available vertebrate species. In addition, this alteration is predicted to be deleterious by in silico analysis. Based on the majority of available evidence to date, this variant is likely to be pathogenic.

Literature cited by the submitters: PubMed 17418587 (cited by Labcorp Genetics (formerly Invitae), Labcorp and Ambry Genetics); PubMed 32679894 (cited by Labcorp Genetics (formerly Invitae), Labcorp); PubMed 16905551 (cited by Labcorp Genetics (formerly Invitae), Labcorp); PubMed 19349279 (cited by Labcorp Genetics (formerly Invitae), Labcorp); PubMed 16571647 (cited by Labcorp Genetics (formerly Invitae), Labcorp); PubMed 17701892 (cited by Labcorp Genetics (formerly Invitae), Labcorp).